The following is an entry in ClinVar:

ClinVar aggregate classification (germline): Uncertain significance (1 of 4 stars; one submission).

Conditions:
Progressive myoclonic epilepsy type 8. Identifiers: Orphanet 424027, MedGen C5190825, MONDO:0014545, OMIM 616230.

Submission:

Labcorp Genetics (formerly Invitae), Labcorp
Classification: Uncertain significance for Epilepsy, progressive myoclonic 8. Last evaluated: 2019-09-19. Review status: criteria provided, single submitter. Criteria: Invitae Variant Classification Sherloc (09022015). Collection method: clinical testing. Allele origin: germline.
Comment: This sequence change creates a premature translational stop signal (p.Tyr301*) in the CERS1 gene. It is expected to result in an absent or disrupted protein product. This variant is not present in population databases (ExAC no frequency). This variant has not been reported in the literature in individuals with CERS1-related conditions. The current clinical and genetic evidence is not sufficient to establish whether loss-of-function variants in CERS1 cause disease. In summary, the available evidence is currently insufficient to determine the role of this variant in disease. Therefore, it has been classified as a Variant of Uncertain Significance.

NM_021267.5(CERS1):c.903C>A (p.Tyr301Ter)

Genes: CERS1 (ceramide synthase 1; minus strand), GDF1 (growth differentiation factor 1; minus strand). Cytogenetic location: 19p13.11.
Variant type: single nucleotide variant.
Coding change: c.903C>A on transcript NM_021267.5 (MANE Select); coding-DNA position 903, C replaced by A.
Protein change: p.Tyr301Ter; replaces tyrosine 301 with a stop codon.
Molecular consequence: nonsense. On other transcripts: 5 prime UTR variant (1), intron variant (1).
Genome position (GRCh38, 1-based): chr19:18,879,037, G>T on the plus strand (C>A on the coding strand, the complement: CERS1 is on the minus strand). VCF-style: chr19-18879037-G-T. GRCh37 (hg19) VCF-style: chr19-18989846-G-T.
Other names: c.609C>A, p.Tyr203Ter (NM_001290265.2, NM_001387442.1, NM_001387443.1 and 2 more transcripts); c.903C>A, p.Tyr301Ter (NM_001387439.1, NM_001387440.1, NM_198207.3); c.858C>A, p.Tyr286Ter (NM_001387441.1); c.-420C>A (NM_001492.6); c.-313+5050C>A (NM_001387438.1); short protein forms Y203*, Y301*, Y286*.
Identifiers: ClinVar variation 956495 (VCV000956495.1), dbSNP rs1601162007, ClinGen allele CA404865352.